The following is an entry in ClinVar:

NM_001166108.2(PALLD):c.2354A>T (p.Asp785Val)

Genes: PALLD (palladin, cytoskeletal associated protein; plus strand), CBR4 (carbonyl reductase 4; minus strand). Cytogenetic location: 4q32.3.
Variant type: single nucleotide variant.
Coding change: c.2354A>T on transcript NM_001166108.2 (MANE Select); coding-DNA position 2354, A replaced by T.
Protein change: p.Asp785Val; replaces aspartic acid 785 with valine.
Molecular consequence: missense variant.
Genome position (GRCh38, 1-based): chr4:168,898,596, A>T. VCF-style: chr4-168898596-A-T. GRCh37 (hg19) VCF-style: chr4-169819747-A-T.
Other names: c.1157A>T, p.Asp386Val (NM_001166109.2); c.842A>T, p.Asp281Val (NM_001166110.2); c.182A>T, p.Asp61Val (NM_001367567.1, NM_001367569.1); c.233A>T, p.Asp78Val (NM_001367568.1, NM_001367570.1); c.2303A>T, p.Asp768Val (NM_016081.4); short protein forms D768V, D785V, D78V, D281V, D61V, D386V.
Identifiers: ClinVar variation 1789320 (VCV001789320.2), dbSNP rs2533734020, ClinGen allele CA358798926.

ClinVar aggregate classification (germline): Uncertain significance (1 of 4 stars; one submission).

Submission:

Ambry Genetics
Classification: Uncertain significance. Last evaluated: 2021-09-16. Review status: criteria provided, single submitter. Criteria: Ambry Variant Classification Scheme 2023. Collection method: clinical testing. Allele origin: germline.
Comment: The p.D768V variant (also known as c.2303A>T), located in coding exon 12 of the PALLD gene, results from an A to T substitution at nucleotide position 2303. The aspartic acid at codon 768 is replaced by valine, an amino acid with highly dissimilar properties. This amino acid position is conserved. In addition, the in silico prediction for this alteration is inconclusive. Since supporting evidence is limited at this time, the clinical significance of this alteration remains unclear.